The following is an entry in ClinVar:

NM_002470.4(MYH3):c.3416A>G (p.Asp1139Gly)

Gene: MYH3 (myosin heavy chain 3; minus strand). Cytogenetic location: 17p13.1.
Variant type: single nucleotide variant.
Coding change: c.3416A>G on transcript NM_002470.4 (MANE Select); coding-DNA position 3416, A replaced by G.
Protein change: p.Asp1139Gly; replaces aspartic acid 1139 with glycine.
Molecular consequence: missense variant.
Genome position (GRCh38, 1-based): chr17:10,638,356, T>C on the plus strand (A>G on the coding strand, the complement: MYH3 is on the minus strand). VCF-style: chr17-10638356-T-C. GRCh37 (hg19) VCF-style: chr17-10541673-T-C.
Other names: short protein forms D1139G.
Identifiers: ClinVar variation 3659020 (VCV003659020.2).

ClinVar aggregate classification (germline): Uncertain significance (1 of 4 stars; one submission).

gnomAD v4.1: 4 of 1,608,986 alleles (0.00025%); highest among the groups gnomAD compares: East Asian, 0.0022%; no homozygotes.

Submission:

Labcorp Genetics (formerly Invitae), Labcorp
Classification: Uncertain significance. Last evaluated: 2024-09-29. Review status: criteria provided, single submitter. Criteria: Invitae Variant Classification Sherloc (09022015). Collection method: clinical testing. Allele origin: germline.
Comment: This sequence change replaces aspartic acid, which is acidic and polar, with glycine, which is neutral and non-polar, at codon 1139 of the MYH3 protein (p.Asp1139Gly). This variant is not present in population databases (gnomAD no frequency). This variant has not been reported in the literature in individuals affected with MYH3-related conditions. Invitae Evidence Modeling of protein sequence and biophysical properties (such as structural, functional, and spatial information, amino acid conservation, physicochemical variation, residue mobility, and thermodynamic stability) indicates that this missense variant is not expected to disrupt MYH3 protein function with a negative predictive value of 95%. In summary, the available evidence is currently insufficient to determine the role of this variant in disease. Therefore, it has been classified as a Variant of Uncertain Significance.